The following is an entry in ClinVar:

ClinVar aggregate classification (germline): Conflicting classifications of pathogenicity. Review status: criteria provided, conflicting classifications (1 of 4 stars). 3 submissions from 3 submitters: Likely pathogenic (1); Uncertain significance (1). 1 of the submissions does not count toward it. Last evaluated 2021-01-20.

Conditions:
Leprechaunism syndrome. Also called: LEPRECHAUNISM; Donohue syndrome. Identifiers: Orphanet 508, MedGen C0265344, MONDO:0009517, OMIM 246200.
Rabson-Mendenhall syndrome. Also called: Pineal hyperplasia AND diabetes mellitus syndrome; Pineal Hyperplasia, Insulin-Resistant Diabetes Mellitus, and Somatic Abnormalities; MENDENHALL SYNDROME. Identifiers: Orphanet 769, MedGen C0271695, MONDO:0009874, OMIM 262190.
Hyperinsulinism due to INSR deficiency. Also called: Hyperinsulinism due to glutamodehydrogenase deficiency. Identifiers: Orphanet 263458, MedGen C1864952, MONDO:0012381, OMIM 609968.
Insulin-resistant diabetes mellitus AND acanthosis nigricans. Also called: DIABETES MELLITUS, INSULIN-RESISTANT, WITH ACANTHOSIS NIGRICANS, TYPE A; INSULIN RECEPTOR, DEFECT IN, WITH INSULIN-RESISTANT DIABETES MELLITUS AND ACANTHOSIS NIGRICANS; IRAN, TYPE A; type A insulin resistance; Insulin-resistance syndrome type A. Identifiers: Orphanet 2297, MedGen C0342278, MONDO:0012520, OMIM 610549.

Allele frequency attached by ClinVar (database versions not stated): gnomAD 0.00001; TOPMed below 0.00001; ExAC 0.00001.
gnomAD v4.1: 7 of 1,612,634 alleles (0.00043%); highest among the groups gnomAD compares: Middle Eastern, 0.019%; no homozygotes.

Submissions (3):

GeneDx
Classification: Uncertain significance. Last evaluated: 2021-01-20. Review status: criteria provided, single submitter. Criteria: GeneDx Variant Classification Process June 2021. Collection method: clinical testing. Allele origin: germline. Affected: yes.
Comment: Not observed in large population cohorts (Lek et al., 2016); In silico analysis supports that this missense variant has a deleterious effect on protein structure/function; This variant is associated with the following publications: (PMID: 2365819, 27896077)

Juno Genomics, Hangzhou Juno Genomics, Inc
Classification: Likely pathogenic for Leprechaunism syndrome; Insulin-resistant diabetes mellitus AND acanthosis nigricans; Hyperinsulinism due to INSR deficiency; Rabson-Mendenhall syndrome. Review status: criteria provided, single submitter. Criteria: ACMG Guidelines, 2015. Collection method: clinical testing. Allele origin: germline. Affected: yes.
Comment: Absent from controls (or at extremely low frequency if recessive) in Genome Aggregation Database, Exome Sequencing Project, 1000 Genomes Project, or Exome Aggregation Consortium.;Multiple lines of computational evidence support a deleterious effect on the gene or gene product (conservation, evolutionary, splicing impact, etc).;Missense variant in a gene that has a low rate of benign missense variation and where missense variants are a common mechanism of disease.;For recessive disorders, detected in trans with a pathogenic variant.;Patient's phenotype or family history is highly specific for a disease with a single genetic etiology.

OMIM
Classification: Pathogenic for DIABETES MELLITUS, INSULIN-RESISTANT, WITH ACANTHOSIS NIGRICANS. Last evaluated: 1990-07-01. Review status: no assertion criteria provided. Collection method: literature only. Allele origin: germline. Not counted in ClinVar's aggregate classification.

Literature cited by the submitters: PubMed 27896077 (cited by OMIM); PubMed 2365819 (cited by OMIM).

NM_000208.4(INSR):c.1466A>G (p.Asn489Ser)

Gene: INSR (insulin receptor; minus strand). Cytogenetic location: 19p13.2.
Variant type: single nucleotide variant.
Coding change: c.1466A>G on transcript NM_000208.4 (MANE Select); coding-DNA position 1466, A replaced by G.
Protein change: p.Asn489Ser; replaces asparagine 489 with serine.
Molecular consequence: missense variant.
Genome position (GRCh38, 1-based): chr19:7,170,554, T>C on the plus strand (A>G on the coding strand, the complement: INSR is on the minus strand). VCF-style: chr19-7170554-T-C. GRCh37 (hg19) VCF-style: chr19-7170565-T-C.
Other names: c.1466A>G, p.Asn489Ser (NM_001079817.3); short protein forms N489S.
Identifiers: ClinVar variation 14695 (VCV000014695.5), dbSNP rs121913147, ClinGen allele CA124241.